The following is an entry in ClinVar:

NM_002617.4(PEX10):c.246G>A (p.Ser82=)

Gene: PEX10 (peroxisomal biogenesis factor 10; minus strand). Cytogenetic location: 1p36.32.
Variant type: single nucleotide variant.
Coding change: c.246G>A on transcript NM_002617.4 (MANE Select); coding-DNA position 246, G replaced by A.
Protein change: p.Ser82=; no amino-acid change (serine 82 retained).
Molecular consequence: synonymous variant. On other transcripts: 5 prime UTR variant (2), non-coding transcript variant (1).
Genome position (GRCh38, 1-based): chr1:2,408,806, C>T on the plus strand (G>A on the coding strand, the complement: PEX10 is on the minus strand). VCF-style: chr1-2408806-C-T. GRCh37 (hg19) VCF-style: chr1-2340245-C-T.
Other names: c.246G>A, p.Ser82= (NM_001374425.1, NM_153818.2); c.-187G>A (NM_001374426.1, NM_001374427.1); c.246G>A (NM_153818.1).
Identifiers: ClinVar variation 1103460 (VCV001103460.10), dbSNP rs370810788, ClinGen allele CA538237.

ClinVar aggregate classification (germline): Likely benign. Review status: criteria provided, multiple submitters, no conflicts (2 of 4 stars). 3 submissions from 3 submitters: Likely benign (2). 1 of the submissions does not count toward it. Last evaluated 2023-10-06.

Conditions:
PEX10-related disorder. Also called: PEX10-related condition.
Peroxisome biogenesis disorder, complementation group 7 (CG7). Also called: Peroxisome biogenesis disorder, complementation group B. Identifiers: MedGen C1864399.

Allele frequency attached by ClinVar (database versions not stated): ExAC 0.00001; gnomAD 0.00001; gnomAD exomes 0.00001; TOPMed 0.00001; ESP Exome Variant Server 0.00008.
gnomAD v4.1: 12 of 1,613,952 alleles (0.00074%); highest among the groups gnomAD compares: East Asian, 0.0022%; no homozygotes.

Submissions (3):

Labcorp Genetics (formerly Invitae), Labcorp
Classification: Likely benign for Peroxisome biogenesis disorder, complementation group 7. Last evaluated: 2023-10-06. Review status: criteria provided, single submitter. Criteria: Invitae Variant Classification Sherloc (09022015). Collection method: clinical testing. Allele origin: germline.

Blueprint Genetics
Classification: Likely benign. Last evaluated: 2021-08-20. Review status: criteria provided, single submitter. Criteria: ACMG Guidelines, 2015. Collection method: clinical testing. Allele origin: germline.

PreventionGenetics, part of Exact Sciences
Classification: Likely benign for PEX10-related condition. Last evaluated: 2022-04-30. Review status: no assertion criteria provided. Collection method: clinical testing. Allele origin: germline. Not counted in ClinVar's aggregate classification.
Comment: This variant is classified as likely benign based on ACMG/AMP sequence variant interpretation guidelines (Richards et al. 2015 PMID: 25741868, with internal and published modifications).